The following is an entry in ClinVar:

ClinVar aggregate classification (germline): Uncertain significance (1 of 4 stars; one submission).

Conditions:
Hypermethioninemia with deficiency of S-adenosylhomocysteine hydrolase. Identifiers: Orphanet 88618, MedGen C3151058, MONDO:0013404, OMIM 613752.

Submission:

Labcorp Genetics (formerly Invitae), Labcorp
Classification: Uncertain significance for Hypermethioninemia with deficiency of S-adenosylhomocysteine hydrolase. Last evaluated: 2022-03-18. Review status: criteria provided, single submitter. Criteria: Invitae Variant Classification Sherloc (09022015). Collection method: clinical testing. Allele origin: germline.
Comment: This sequence change replaces glutamic acid, which is acidic and polar, with valine, which is neutral and non-polar, at codon 59 of the AHCY protein (p.Glu59Val). This variant is not present in population databases (gnomAD no frequency). This variant has not been reported in the literature in individuals affected with AHCY-related conditions. Algorithms developed to predict the effect of missense changes on protein structure and function are either unavailable or do not agree on the potential impact of this missense change (SIFT: "Not Available"; PolyPhen-2: "Probably Damaging"; Align-GVGD: "Not Available"). In summary, the available evidence is currently insufficient to determine the role of this variant in disease. Therefore, it has been classified as a Variant of Uncertain Significance.

NM_000687.4(AHCY):c.176A>T (p.Glu59Val)

Gene: AHCY (adenosylhomocysteinase; minus strand). Cytogenetic location: 20q11.22.
Variant type: single nucleotide variant.
Coding change: c.176A>T on transcript NM_000687.4 (MANE Select); coding-DNA position 176, A replaced by T.
Protein change: p.Glu59Val; replaces glutamic acid 59 with valine.
Molecular consequence: missense variant.
Genome position (GRCh38, 1-based): chr20:34,295,438, T>A on the plus strand (A>T on the coding strand, the complement: AHCY is on the minus strand). VCF-style: chr20-34295438-T-A. GRCh37 (hg19) VCF-style: chr20-32883244-T-A.
Other names: c.92A>T, p.Glu31Val (NM_001161766.2, NM_001322084.2, NM_001322085.2); c.182A>T, p.Glu61Val (NM_001322086.2); c.176A>T, p.Glu59Val (NM_001362750.2); short protein forms E59V, E61V, E31V.
Identifiers: ClinVar variation 2113982 (VCV002113982.4), dbSNP rs2515204257, ClinGen allele CA408660832.